The following is an entry in ClinVar:

ClinVar aggregate classification (germline): Uncertain significance (1 of 4 stars; one submission).

Allele frequency attached by ClinVar (database versions not stated): gnomAD exomes below 0.00001 and 0.00001; ExAC 0.00001; gnomAD 0.00001; TOPMed 0.00001; ESP Exome Variant Server 0.00008.
gnomAD v4.1: 2 of 1,613,994 alleles (0.00012%); highest among the groups gnomAD compares: African/African-American, 0.0027%; no homozygotes.

Submission:

Labcorp Genetics (formerly Invitae), Labcorp
Classification: Uncertain significance. Last evaluated: 2022-07-05. Review status: criteria provided, single submitter. Criteria: Invitae Variant Classification Sherloc (09022015). Collection method: clinical testing. Allele origin: germline.
Comment: This variant has not been reported in the literature in individuals affected with VPS13D-related conditions. This variant is present in population databases (rs146217018, gnomAD 0.01%). This sequence change replaces aspartic acid, which is acidic and polar, with asparagine, which is neutral and polar, at codon 842 of the VPS13D protein (p.Asp842Asn). ClinVar contains an entry for this variant (Variation ID: 1436590). In summary, the available evidence is currently insufficient to determine the role of this variant in disease. Therefore, it has been classified as a Variant of Uncertain Significance. Algorithms developed to predict the effect of missense changes on protein structure and function are either unavailable or do not agree on the potential impact of this missense change (SIFT: "Not Available"; PolyPhen-2: "Benign"; Align-GVGD: "Not Available").

NM_015378.4(VPS13D):c.2524G>A (p.Asp842Asn)

Gene: VPS13D (vacuolar protein sorting 13 homolog D; plus strand). Cytogenetic location: 1p36.22.
Variant type: single nucleotide variant.
Coding change: c.2524G>A on transcript NM_015378.4 (MANE Select); coding-DNA position 2524, G replaced by A.
Protein change: p.Asp842Asn; replaces aspartic acid 842 with asparagine.
Molecular consequence: missense variant.
Genome position (GRCh38, 1-based): chr1:12,276,112, G>A. VCF-style: chr1-12276112-G-A. GRCh37 (hg19) VCF-style: chr1-12336169-G-A.
Other names: c.2524G>A, p.Asp842Asn (NM_018156.4); short protein forms D842N.
Identifiers: ClinVar variation 1436590 (VCV001436590.8), dbSNP rs146217018, ClinGen allele CA601829.